The following is an entry in ClinVar:

ClinVar aggregate classification (germline): Pathogenic (1 of 4 stars; one submission).

Submission:

Labcorp Genetics (formerly Invitae), Labcorp
Classification: Pathogenic. Last evaluated: 2022-09-07. Review status: criteria provided, single submitter. Criteria: Invitae Variant Classification Sherloc (09022015). Collection method: clinical testing. Allele origin: germline.
Comment: This sequence change creates a premature translational stop signal (p.Gly910Asnfs*26) in the PCLO gene. It is expected to result in an absent or disrupted protein product. Loss-of-function variants in PCLO are known to be pathogenic (PMID: 25832664, 30287594). This variant is not present in population databases (gnomAD no frequency). This variant has not been reported in the literature in individuals affected with PCLO-related conditions. ClinVar contains an entry for this variant (Variation ID: 1415028). For these reasons, this variant has been classified as Pathogenic.

Literature cited by the submitters: PubMed 25832664; PubMed 30287594.

NM_033026.6(PCLO):c.2728_2912delinsA (p.Gly910fs)

Gene: PCLO (piccolo presynaptic cytomatrix protein; minus strand). Cytogenetic location: 7q21.11.
Variant type: Indel.
Coding change: c.2728_2912delinsA on transcript NM_033026.6 (MANE Select); coding-DNA positions 2728 to 2912, the reference bases replaced by A.
Protein change: p.Gly910fs; shifts the reading frame from glycine 910.
Molecular consequence: frameshift variant.
Genome position (GRCh38, 1-based): chr7:83,134,638-83,134,822, 185 bases replaced. GRCh37 (hg19): chr7:82,763,954-82,764,138.
Other names: c.2728_2912delinsA, p.Gly910fs (NM_014510.3); short protein forms G910fs.
Identifiers: ClinVar variation 1415028 (VCV001415028.6), dbSNP rs2116614972, ClinGen allele CA2573142357.